The following is an entry in ClinVar:

NM_000140.5(FECH):c.930G>A (p.Trp310Ter)

Gene: FECH (ferrochelatase; minus strand). Cytogenetic location: 18q21.31.
Variant type: single nucleotide variant.
Coding change: c.930G>A on transcript NM_000140.5 (MANE Select); coding-DNA position 930, G replaced by A.
Protein change: p.Trp310Ter; replaces tryptophan 310 with a stop codon.
Molecular consequence: nonsense.
Genome position (GRCh38, 1-based): chr18:57,554,407, C>T on the plus strand (G>A on the coding strand, the complement: FECH is on the minus strand). VCF-style: chr18-57554407-C-T. GRCh37 (hg19) VCF-style: chr18-55221639-C-T.
Other names: p.Trp310*; c.948G>A, p.Trp316Ter (NM_001012515.4); c.831G>A, p.Trp277Ter (NM_001371094.1); c.714G>A, p.Trp238Ter (NM_001371095.1); c.930G>A, p.Trp310Ter (NM_001374778.1); c.930G>A (NM_000140.4); short protein forms W316*, W277*, W310*, W238*.
Identifiers: ClinVar variation 2736734 (VCV002736734.4), dbSNP rs774310774, ClinGen allele CA402540871.

ClinVar aggregate classification (germline): Pathogenic. Review status: criteria provided, multiple submitters, no conflicts (2 of 4 stars). 2 submissions from 2 submitters: Pathogenic (2). Last evaluated 2023-09-20.

Submissions (2):

Mayo Clinic Laboratories, Mayo Clinic
Classification: Pathogenic. Last evaluated: 2023-09-20. Review status: criteria provided, single submitter. Criteria: ACMG Guidelines, 2015. Collection method: clinical testing. Allele origin: germline. Observed: 1 variant allele.
Comment: PP4, PM2_moderate, PS4_moderate, PVS1

Labcorp Genetics (formerly Invitae), Labcorp
Classification: Pathogenic. Last evaluated: 2023-06-03. Review status: criteria provided, single submitter. Criteria: Invitae Variant Classification Sherloc (09022015). Collection method: clinical testing. Allele origin: germline.
Comment: This premature translational stop signal has been observed in individual(s) with erythropoietic protoporphyria (PMID: 22591014, 33021473). For these reasons, this variant has been classified as Pathogenic. This variant is present in population databases (no rsID available, gnomAD 0.0009%). This sequence change creates a premature translational stop signal (p.Trp310*) in the FECH gene. It is expected to result in an absent or disrupted protein product. Loss-of-function variants in FECH are known to be pathogenic (PMID: 20105171, 23016163, 23364466).

Literature cited by the submitters: PubMed 17112627 (cited by Mayo Clinic Laboratories, Mayo Clinic); PubMed 20412370 (cited by Mayo Clinic Laboratories, Mayo Clinic); PubMed 22591014 (cited by Mayo Clinic Laboratories, Mayo Clinic and Labcorp Genetics (formerly Invitae), Labcorp); PubMed 33021473 (cited by Mayo Clinic Laboratories, Mayo Clinic and Labcorp Genetics (formerly Invitae), Labcorp); PubMed 37539993 (cited by Mayo Clinic Laboratories, Mayo Clinic); PubMed 20105171 (cited by Labcorp Genetics (formerly Invitae), Labcorp); PubMed 23016163 (cited by Labcorp Genetics (formerly Invitae), Labcorp); PubMed 23364466 (cited by Labcorp Genetics (formerly Invitae), Labcorp).